The following is an entry in ClinVar:

NM_182641.4(BPTF):c.4550C>T (p.Thr1517Ile)

Gene: BPTF (bromodomain PHD finger transcription factor; plus strand). Cytogenetic location: 17q24.2.
Variant type: single nucleotide variant.
Coding change: c.4550C>T on transcript NM_182641.4 (MANE Select); coding-DNA position 4550, C replaced by T.
Protein change: p.Thr1517Ile; replaces threonine 1517 with isoleucine.
Molecular consequence: missense variant.
Genome position (GRCh38, 1-based): chr17:67,912,434, C>T. VCF-style: chr17-67912434-C-T. GRCh37 (hg19) VCF-style: chr17-65908550-C-T.
Other names: c.4739C>T, p.Thr1580Ile (NM_001439141.1, NM_001439143.1, NM_001439144.1 and 1 more transcripts); c.4928C>T, p.Thr1643Ile (NM_001439142.1, NM_004459.7, NM_001439140.1); short protein forms T1517I, T1580I, T1643I.
Identifiers: ClinVar variation 4714400 (VCV004714400.1).

ClinVar aggregate classification (germline): Uncertain significance (1 of 4 stars; one submission).

Submission:

Labcorp Genetics (formerly Invitae), Labcorp
Classification: Uncertain significance. Last evaluated: 2025-03-05. Review status: criteria provided, single submitter. Criteria: Invitae Variant Classification Sherloc (09022015). Collection method: clinical testing. Allele origin: germline.
Comment: This sequence change replaces threonine, which is neutral and polar, with isoleucine, which is neutral and non-polar, at codon 1643 of the BPTF protein (p.Thr1643Ile). This variant is not present in population databases (gnomAD no frequency). This variant has not been reported in the literature in individuals affected with BPTF-related conditions. An algorithm developed to predict the effect of missense changes on protein structure and function outputs the following: PolyPhen-2: "Benign". The isoleucine amino acid residue is found in multiple mammalian species, which suggests that this missense change does not adversely affect protein function. In summary, the available evidence is currently insufficient to determine the role of this variant in disease. Therefore, it has been classified as a Variant of Uncertain Significance.